The following is an entry in ClinVar:

NM_000070.3(CAPN3):c.1711del (p.Leu571fs)

Gene: CAPN3 (calpain 3; plus strand). Cytogenetic location: 15q15.1.
Variant type: Deletion.
Coding change: c.1711del on transcript NM_000070.3 (MANE Select); coding-DNA position 1711, one base deleted (C; older notation c.1711delC).
Protein change: p.Leu571fs; shifts the reading frame from leucine 571.
Molecular consequence: frameshift variant.
Genome position (GRCh38, 1-based): chr15:42,402,968, C deleted; the last of 2 consecutive C bases (chr15:42,402,967-42,402,968); deleting either gives the same sequence. VCF-style (leftmost placement, unchanged base first): chr15-42402966-TC-T. GRCh37 (hg19) VCF-style: chr15-42695164-TC-T.
Other names: NM_000070.3(CAPN3):c.1711del; p.Leu571fs; c.1711del, p.Leu571fs (NM_024344.2); c.1567del, p.Leu523fs (NM_173087.2); c.175del, p.Leu59fs (NM_173088.2); short protein forms L571fs, L523fs, L59fs.
Identifiers: ClinVar variation 551477 (VCV000551477.4), dbSNP rs1334369407, ClinGen allele CA618001553.
Genomic context (GRCh38, chr15:42,402,966, plus strand): 5'-CTCCCAGCGAGTACGTCATCGTGCCCTCCACCTACGAGCCCCACCAGGAGGGGGAATTCA[TC>T]CTCCGGGTCTTCTCTGAAAAGAGGAACCTCTCTGAGTGAGTGCTGGCCCAGCTTTCCCAC-3'

ClinVar aggregate classification (germline): Pathogenic. Review status: reviewed by expert panel (3 of 4 stars). 3 submissions from 3 submitters: Pathogenic (1). 2 of the submissions do not count toward it. Last evaluated 2026-02-10.

Conditions:
Autosomal recessive limb-girdle muscular dystrophy type 2A (LGMDR1). Also called: Limb-girdle muscular dystrophy, type 2A; Calpainopathy; LEYDEN-MOEBIUS MUSCULAR DYSTROPHY; MUSCULAR DYSTROPHY, PELVOFEMORAL; Muscular dystrophy, limb-girdle, type 2A, Amish. Identifiers: Orphanet 267, MedGen C1869123, MONDO:0009675, OMIM 253600. Disease mechanism: loss of function.
Muscular dystrophy, limb-girdle, autosomal dominant 4. Also called: Calpain-3-related limb-girdle muscular dystrophy D4; MUSCULAR DYSTROPHY, LIMB-GIRDLE, TYPE 1I. Identifiers: Orphanet 565909, MedGen C4748295, MONDO:0029133, OMIM 618129.
Autosomal recessive limb-girdle muscular dystrophy. Identifiers: Orphanet 102015, MedGen C2931907, MONDO:0015152.

Submissions (3):

ClinGen Limb Girdle Muscular Dystrophy Variant Curation Expert Panel, ClinGen
Classification: Pathogenic for Autosomal recessive limb-girdle muscular dystrophy. Last evaluated: 2026-02-10. Review status: reviewed by expert panel. Criteria: ClinGen LGMD VCEP ACMG Specifications CAPN3 V2.0.0. Collection method: curation. Allele origin: germline. Inheritance: Autosomal recessive inheritance.
Comment: The NM_000070.3: c.1711del p.(Leu571SerfsTer24) variant in CAPN3 is a frameshift variant predicted to cause a premature stop codon in biologically relevant exon 13/24, leading to nonsense mediated decay in a gene in which loss of function is an established disease mechanism (PVS1). This variant was reported in at least one patient with LGMD, where it was confirmed in trans with a likely pathogenic or pathogenic variant (c.1466G>A p.(Arg489Glu), 1.0 pt, PMID: 17994539, 26404900). In addition to progressive limb girdle muscle weakness, this individual also exhibited significantly reduced expression of calpain-3 protein in skeletal muscle, which is specific for CAPN3-related LGMD (PP4_Moderate). This variant is absent from gnomAD v.4.1.0, meeting the criteria for PM2_Supporting. In summary, this variant meets the criteria to be classified as Pathogenic for autosomal recessive limb girdle muscular dystrophy based on the ACMG criteria applied, as specified by the LGMD VCEP (specifications version 2.0.0; 02/10/2026): PVS1, PM3, PP4_Moderate, PM2_Supporting.

Fulgent Genetics
Classification: Pathogenic for Autosomal recessive limb-girdle muscular dystrophy type 2A; Muscular dystrophy, limb-girdle, autosomal dominant 4. Last evaluated: 2024-03-13. Review status: criteria provided, single submitter. Criteria: ACMG Guidelines, 2015. Collection method: clinical testing. Allele origin: germline. Not counted in ClinVar's aggregate classification.

Counsyl
Classification: Likely pathogenic for Autosomal recessive limb-girdle muscular dystrophy type 2A. Last evaluated: 2017-04-12. Review status: no assertion criteria provided. Collection method: clinical testing. Allele origin: unknown. Not counted in ClinVar's aggregate classification.

Literature cited by the submitters: PubMed 17994539 (cited by Counsyl).